The following is an entry in ClinVar:

ClinVar aggregate classification (germline): Uncertain significance (1 of 4 stars; one submission).

Allele frequency attached by ClinVar (database versions not stated): TOPMed below 0.00001.
gnomAD v4.1: 2 of 1,605,352 alleles (0.00012%); highest among the groups gnomAD compares: Non-Finnish European, 0.00017%; no homozygotes.

Submission:

Labcorp Genetics (formerly Invitae), Labcorp
Classification: Uncertain significance. Last evaluated: 2021-06-18. Review status: criteria provided, single submitter. Criteria: Invitae Variant Classification Sherloc (09022015). Collection method: clinical testing. Allele origin: germline.
Comment: In summary, the available evidence is currently insufficient to determine the role of this variant in disease. Therefore, it has been classified as a Variant of Uncertain Significance. Algorithms developed to predict the effect of missense changes on protein structure and function (SIFT, PolyPhen-2, Align-GVGD) all suggest that this variant is likely to be tolerated, but these predictions have not been confirmed by published functional studies and their clinical significance is uncertain. This variant has not been reported in the literature in individuals with C5-related conditions. This variant is not present in population databases (ExAC no frequency). This sequence change replaces valine with leucine at codon 1528 of the C5 protein (p.Val1528Leu). The valine residue is moderately conserved and there is a small physicochemical difference between valine and leucine.

NM_001735.3(C5):c.4582G>T (p.Val1528Leu)

Gene: C5 (complement C5; minus strand). Cytogenetic location: 9q33.2.
Variant type: single nucleotide variant.
Coding change: c.4582G>T on transcript NM_001735.3 (MANE Select); coding-DNA position 4582, G replaced by T.
Protein change: p.Val1528Leu; replaces valine 1528 with leucine.
Molecular consequence: missense variant.
Genome position (GRCh38, 1-based): chr9:120,961,488, C>A on the plus strand (G>T on the coding strand, the complement: C5 is on the minus strand). VCF-style: chr9-120961488-C-A. GRCh37 (hg19) VCF-style: chr9-123723766-C-A.
Other names: c.4600G>T, p.Val1534Leu (NM_001317163.2); short protein forms V1528L, V1534L.
Identifiers: ClinVar variation 1362218 (VCV001362218.8), dbSNP rs1235056478, ClinGen allele CA374743840.
Genomic context (GRCh38, chr9:120,961,488, plus strand): 5'-ATGAACGACTGCTTTAAATAAGCATGCAGCCTAAATATGTTAAATAAAGTTTACCTTCTA[C>A]ACACTTGCACGCGGCTCCTTCACAGACTTTCTGAATTTTGATATTGGAAGTGCTATAAAA-3'
Protein context (NP_001726.2, residues 1518-1538): KVCEGAACKC[Val1528Leu]EADCGQMQEE